The following is an entry in ClinVar:

ClinVar aggregate classification (germline): Likely benign (1 of 4 stars; one submission).

Allele frequency attached by ClinVar (database versions not stated): gnomAD 0.01399 and 0.01493; 1000 Genomes Project 0.01597; TOPMed 0.01614; 1000 Genomes Project 30x 0.01718.
gnomAD v4.1: 2,105 of 152,288 alleles (1.4%); highest among the groups gnomAD compares: African/African-American, 4.8%; 44 homozygotes.

Submission:

GeneDx
Classification: Likely benign. Last evaluated: 2018-06-16. Review status: criteria provided, single submitter. Criteria: GeneDx Variant Classification (06012015). Collection method: clinical testing. Allele origin: germline. Affected: yes.
Comment: This variant is considered likely benign or benign based on one or more of the following criteria: it is a conservative change, it occurs at a poorly conserved position in the protein, it is predicted to be benign by multiple in silico algorithms, and/or has population frequency not consistent with disease.

NM_001267550.2(TTN):c.32311+283A>G

Gene: TTN (titin; minus strand). Cytogenetic location: 2q31.2.
Variant type: single nucleotide variant.
Coding change: c.32311+283A>G on transcript NM_001267550.2 (MANE Select); 283 bases into the intron after coding-DNA position 32311, A replaced by G.
Molecular consequence: intron variant.
Genome position (GRCh38, 1-based): chr2:178,687,828, T>C on the plus strand (A>G on the coding strand, the complement: TTN is on the minus strand). VCF-style: chr2-178687828-T-C. GRCh37 (hg19) VCF-style: chr2-179552555-T-C.
Other names: c.13283-45511A>G (NM_003319.4); c.13859-45511A>G (NM_133437.4); c.13658-45511A>G (NM_133432.3); c.28579+283A>G (NM_133378.4); c.31360+283A>G (NM_001256850.1).
Identifiers: ClinVar variation 668596 (VCV000668596.1), dbSNP rs78287648, ClinGen allele CA60987611.